The following is an entry in ClinVar:

ClinVar aggregate classification (germline): Benign. Review status: criteria provided, multiple submitters, no conflicts (2 of 4 stars). 8 submissions from 8 submitters: Benign (8). Last evaluated 2026-05-09.

Conditions:
Inborn genetic diseases. Identifiers: MedGen C0950123, MeSH D030342.
KBG syndrome (KBGS). Also called: ANKRD11-Related KBG Syndrome. Identifiers: Orphanet 2332, MedGen C0220687, MONDO:0007846, OMIM 148050.

Allele frequency attached by ClinVar (database versions not stated): 1000 Genomes Project 30x 0.02717; TOPMed 0.02753; 1000 Genomes Project 0.02975; ESP Exome Variant Server 0.02978; ExAC 0.03885; gnomAD 0.04130.
gnomAD v4.1: 62,938 of 1,613,692 alleles (3.9%); highest among the groups gnomAD compares: East Asian, 6.3%; 1,594 homozygotes.

Submissions (8):

Women's Health and Genetics/Laboratory Corporation of America, LabCorp
Classification: Benign. Last evaluated: 2026-05-09. Review status: criteria provided, single submitter. Criteria: LabCorp Variant Classification Summary - May 2015. Collection method: clinical testing. Allele origin: germline.

Labcorp Genetics (formerly Invitae), Labcorp
Classification: Benign for KBG syndrome. Last evaluated: 2026-02-03. Review status: criteria provided, single submitter. Criteria: Invitae Variant Classification Sherloc (09022015). Collection method: clinical testing. Allele origin: germline.

Blueprint Genetics
Classification: Benign. Last evaluated: 2024-11-27. Review status: criteria provided, single submitter. Criteria: ACMG Guidelines, 2015. Collection method: clinical testing. Allele origin: germline.

Athena Diagnostics
Classification: Benign. Last evaluated: 2024-02-16. Review status: criteria provided, single submitter. Criteria: Athena Diagnostics Criteria. Collection method: clinical testing. Allele origin: unknown.

Genome-Nilou Lab
Classification: Benign for KBG syndrome. Last evaluated: 2021-12-05. Review status: criteria provided, single submitter. Criteria: ACMG Guidelines, 2015. Collection method: clinical testing. Allele origin: germline. Affected: no.

Ambry Genetics
Classification: Benign for Inborn genetic diseases. Last evaluated: 2016-04-19. Review status: criteria provided, single submitter. Criteria: Ambry Variant Classification Scheme 2023. Collection method: clinical testing. Allele origin: germline.

GeneDx
Classification: Benign. Last evaluated: 2015-09-22. Review status: criteria provided, single submitter. Criteria: GeneDx Variant Classification (06012015). Collection method: clinical testing. Allele origin: germline. Affected: yes.
Comment: This variant is considered likely benign or benign based on one or more of the following criteria: it is a conservative change, it occurs at a poorly conserved position in the protein, it is predicted to be benign by multiple in silico algorithms, and/or has population frequency not consistent with disease.

Breakthrough Genomics
Classification: Benign. Review status: criteria provided, single submitter. Criteria: ACMG Guidelines, 2015. Collection method: not provided. Allele origin: germline. Inheritance: Autosomal dominant inheritance. Affected: yes.

NM_013275.6(ANKRD11):c.3822C>T (p.Ala1274=)

Gene: ANKRD11 (ankyrin repeat domain 11; minus strand). Cytogenetic location: 16q24.3.
Variant type: single nucleotide variant.
Coding change: c.3822C>T on transcript NM_013275.6 (MANE Select); coding-DNA position 3822, C replaced by T.
Protein change: p.Ala1274=; no amino-acid change (alanine 1274 retained).
Molecular consequence: synonymous variant.
Genome position (GRCh38, 1-based): chr16:89,282,720, G>A on the plus strand (C>T on the coding strand, the complement: ANKRD11 is on the minus strand). VCF-style: chr16-89282720-G-A. GRCh37 (hg19) VCF-style: chr16-89349128-G-A.
Other names: c.3822C>T, p.Ala1274= (NM_001256182.2, NM_001256183.2).
Identifiers: ClinVar variation 380366 (VCV000380366.19), dbSNP rs61741725, ClinGen allele CA8242285.